The following is an entry in ClinVar:

NM_004539.4(NARS1):c.269G>A (p.Arg90Gln)

Gene: NARS1 (asparaginyl-tRNA synthetase 1; minus strand). Cytogenetic location: 18q21.31.
Variant type: single nucleotide variant.
Coding change: c.269G>A on transcript NM_004539.4 (MANE Select); coding-DNA position 269, G replaced by A.
Protein change: p.Arg90Gln; replaces arginine 90 with glutamine.
Molecular consequence: missense variant.
Genome position (GRCh38, 1-based): chr18:57,615,714, C>T on the plus strand (G>A on the coding strand, the complement: NARS1 is on the minus strand). VCF-style: chr18-57615714-C-T. GRCh37 (hg19) VCF-style: chr18-55282946-C-T.
Other names: short protein forms R90Q.
Identifiers: ClinVar variation 3402688 (VCV003402688.2).
Genomic context (GRCh38, chr18:57,615,714, plus strand): 5'-GGGAGACTTGGATCATTTTTAATGGTAATCTTCTTTGCTTCTTCCAGGTTCTTTTCTCTT[C>T]GTAAACTATCTTCTGCCTAATTTTAATGATGAAGCAGTTTGTTAACATGGTTGCCAGAGT-3'
Protein context (NP_004530.1, residues 80-100): REKKEAEDSL[Arg90Gln]REKNLEEAKK

ClinVar aggregate classification (germline): Uncertain significance. Review status: criteria provided, multiple submitters, no conflicts (2 of 4 stars). 2 submissions from 2 submitters: Uncertain significance (2). Last evaluated 2024-12-03.

Conditions:
Neurodevelopmental disorder with microcephaly, impaired language, and gait abnormalities. Identifiers: MedGen C5436783, MONDO:0100348, OMIM 619091.

gnomAD v4.1: 21 of 1,612,820 alleles (0.0013%); highest among the groups gnomAD compares: Middle Eastern, 0.016%; no homozygotes.

Submissions (2):

Ambry Genetics
Classification: Uncertain significance. Last evaluated: 2024-12-03. Review status: criteria provided, single submitter. Criteria: Ambry Variant Classification Scheme 2023. Collection method: clinical testing. Allele origin: germline.

University of Washington Department of Laboratory Medicine, University of Washington
Classification: Uncertain significance for Neurodevelopmental disorder with microcephaly, impaired language, and gait abnormalities. Last evaluated: 2022-09-09. Review status: criteria provided, single submitter. Criteria: ACMG Guidelines, 2015. Collection method: clinical testing. Allele origin: unknown. Affected: yes.
Comment: This variant has been identified in 5/250468 chromosomes by the Genome Aggregation Database. In silico tools do not consistently predict if the p.Arg90Gln variant impacts protein function. Using ACMG guidelines, this variant was classified as a variant of uncertain significance (ACMG evidence codes used: PM2_supporting).